The following is an entry in ClinVar:

NM_000836.4(GRIN2D):c.2855C>G (p.Pro952Arg)

Gene: GRIN2D (glutamate ionotropic receptor NMDA type subunit 2D; plus strand). Cytogenetic location: 19q13.33.
Variant type: single nucleotide variant.
Coding change: c.2855C>G on transcript NM_000836.4 (MANE Select); coding-DNA position 2855, C replaced by G.
Protein change: p.Pro952Arg; replaces proline 952 with arginine.
Molecular consequence: missense variant.
Genome position (GRCh38, 1-based): chr19:48,442,781, C>G. VCF-style: chr19-48442781-C-G. GRCh37 (hg19) VCF-style: chr19-48946038-C-G.
Other names: c.2855C>G (NM_000836.2); short protein forms P952R.
Identifiers: ClinVar variation 3616147 (VCV003616147.3).

ClinVar aggregate classification (germline): Uncertain significance. Review status: criteria provided, multiple submitters, no conflicts (2 of 4 stars). 2 submissions from 2 submitters: Uncertain significance (2). Last evaluated 2024-12-17.

Conditions:
Inborn genetic diseases. Identifiers: MedGen C0950123, MeSH D030342.

gnomAD v4.1: 11 of 1,068,224 alleles (0.001%); highest among the groups gnomAD compares: East Asian, 0.077%; no homozygotes.

Submissions (2):

Ambry Genetics
Classification: Uncertain significance for Inborn genetic diseases. Last evaluated: 2024-12-17. Review status: criteria provided, single submitter. Criteria: Ambry Variant Classification Scheme 2023. Collection method: clinical testing. Allele origin: germline.

Labcorp Genetics (formerly Invitae), Labcorp
Classification: Uncertain significance. Last evaluated: 2024-05-27. Review status: criteria provided, single submitter. Criteria: Invitae Variant Classification Sherloc (09022015). Collection method: clinical testing. Allele origin: germline.
Comment: This sequence change replaces proline, which is neutral and non-polar, with arginine, which is basic and polar, at codon 952 of the GRIN2D protein (p.Pro952Arg). The frequency data for this variant in the population databases is considered unreliable, as metrics indicate insufficient coverage at this position in the gnomAD database. This variant has not been reported in the literature in individuals affected with GRIN2D-related conditions. Advanced modeling of protein sequence and biophysical properties (such as structural, functional, and spatial information, amino acid conservation, physicochemical variation, residue mobility, and thermodynamic stability) performed at Invitae indicates that this missense variant is not expected to disrupt GRIN2D protein function with a negative predictive value of 95%. In summary, the available evidence is currently insufficient to determine the role of this variant in disease. Therefore, it has been classified as a Variant of Uncertain Significance.